The following is an entry in ClinVar:

ClinVar aggregate classification (germline): Uncertain significance (1 of 4 stars; one submission).

Conditions:
Familial thoracic aortic aneurysm and aortic dissection (TAAD). Also called: Thoracic aortic aneurysms and dissections. Identifiers: Orphanet 91387, MedGen C4707243, MONDO:0019625.

Submission:

Color Diagnostics, LLC DBA Color Health
Classification: Uncertain significance for Familial thoracic aortic aneurysm and aortic dissection. Last evaluated: 2024-02-12. Review status: criteria provided, single submitter. Criteria: ACMG Guidelines, 2015. Collection method: clinical testing. Allele origin: germline.
Comment: This missense variant replaces glutamic acid with lysine at codon 1053 of the MYH11 protein. Computational prediction suggests that this variant may have deleterious impact on protein structure and function (internally defined REVEL score threshold >= 0.7, PMID: 27666373). To our knowledge, functional studies have not been reported for this variant. This variant has not been reported in individuals affected with MYH11-related disorders in the literature. This variant has not been identified in the general population by the Genome Aggregation Database (gnomAD). The available evidence is insufficient to determine the role of this variant in disease conclusively. Therefore, this variant is classified as a Variant of Uncertain Significance.

NM_002474.3(MYH11):c.3136G>A (p.Glu1046Lys)

Gene: MYH11 (myosin heavy chain 11; minus strand). Cytogenetic location: 16p13.11.
Variant type: single nucleotide variant.
Coding change: c.3136G>A on transcript NM_002474.3 (MANE Select); coding-DNA position 3136, G replaced by A.
Protein change: p.Glu1046Lys; replaces glutamic acid 1046 with lysine.
Molecular consequence: missense variant.
Genome position (GRCh38, 1-based): chr16:15,737,606, C>T on the plus strand (G>A on the coding strand, the complement: MYH11 is on the minus strand). VCF-style: chr16-15737606-C-T. GRCh37 (hg19) VCF-style: chr16-15831463-C-T.
Other names: c.3157G>A, p.Glu1053Lys (NM_001040113.2, NM_001040114.2); c.3136G>A, p.Glu1046Lys (NM_022844.3); short protein forms E1046K, E1053K.
Identifiers: ClinVar variation 3894348 (VCV003894348.1).